The following is an entry in ClinVar:

ClinVar aggregate classification (germline): Uncertain significance (1 of 4 stars; one submission).

Conditions:
Cornelia de Lange syndrome 1 (CDLS1). Also called: NIPBL-Related Cornelia de Lange Syndrome; Brachmann de Lange syndrome; TYPUS DEGENERATIVUS AMSTELODAMENSIS. Identifiers: Orphanet 199, MedGen C4551851, MONDO:0007387, OMIM 122470.

Submission:

3billion
Classification: Uncertain significance for Cornelia de Lange syndrome 1. Last evaluated: 2025-12-24. Review status: criteria provided, single submitter. Criteria: ACMG Guidelines, 2015. Collection method: clinical testing. Allele origin: germline. Affected: yes.
Comment: The variant is not observed in the gnomAD v4.1.0 dataset. Predicted Consequence/Location: Missense variant In silico tool prediction suggests damaging effect of the variant on gene or gene product [REVEL: 0.62 (>=0.6, sensitivity 0.68 and specificity 0.92)]. Different missense changes at the same codon have been reported as of uncertain significance (ClinVar ID: VCV003592216). Therefore, this variant is classified as VUS according to the recommendation of ACMG/AMP guideline.

NM_133433.4(NIPBL):c.127A>G (p.Asn43Asp)

Gene: NIPBL (NIPBL cohesin loading factor; plus strand). Cytogenetic location: 5p13.2.
Variant type: single nucleotide variant.
Coding change: c.127A>G on transcript NM_133433.4 (MANE Select); coding-DNA position 127, A replaced by G.
Protein change: p.Asn43Asp; replaces asparagine 43 with aspartic acid.
Molecular consequence: missense variant.
Genome position (GRCh38, 1-based): chr5:36,955,534, A>G. VCF-style: chr5-36955534-A-G. GRCh37 (hg19) VCF-style: chr5-36955636-A-G.
Other names: c.127A>G, p.Asn43Asp (NM_001438586.1, NM_015384.5); short protein forms N43D.
Identifiers: ClinVar variation 4855911 (VCV004855911.1).